The following is an entry in ClinVar:

NM_001303256.3(MORC2):c.2915G>A (p.Arg972Gln)

Gene: MORC2 (MORC family CW-type zinc finger 2; minus strand). Cytogenetic location: 22q12.2.
Variant type: single nucleotide variant.
Coding change: c.2915G>A on transcript NM_001303256.3 (MANE Select); coding-DNA position 2915, G replaced by A.
Protein change: p.Arg972Gln; replaces arginine 972 with glutamine.
Molecular consequence: missense variant.
Genome position (GRCh38, 1-based): chr22:30,928,134, C>T on the plus strand (G>A on the coding strand, the complement: MORC2 is on the minus strand). VCF-style: chr22-30928134-C-T. GRCh37 (hg19) VCF-style: chr22-31324121-C-T.
Other names: c.2915G>A, p.Arg972Gln (NM_001303257.2); c.2729G>A, p.Arg910Gln (NM_014941.3); short protein forms R972Q, R910Q.
Identifiers: ClinVar variation 1434144 (VCV001434144.6), dbSNP rs1278082078, ClinGen allele CA411229863.
Genomic context (GRCh38, chr22:30,928,134, plus strand): 5'-TCCTCCGTCTCGCGGAGCTTCCTCTCGGAGGTGCGCAGGCTTTCCTCGGAGGCCTTGGCC[C>T]GGGAGTCAGCACGGCTCTGGTAGGAATTGCACAGGTTTTGGAGCCCTACTTCATATTGCT-3'
Protein context (NP_001290185.1, residues 962-982): CNSYQSRADS[Arg972Gln]AKASEESLRT

ClinVar aggregate classification (germline): Uncertain significance (1 of 4 stars; one submission).

Conditions:
Charcot-Marie-Tooth disease axonal type 2Z. Also called: CHARCOT-MARIE-TOOTH DISEASE, AXONAL, AUTOSOMAL DOMINANT, TYPE 2Z; CHARCOT-MARIE-TOOTH NEUROPATHY, TYPE 2Z. Identifiers: Orphanet 466768, MedGen C5569025, MONDO:0014736, OMIM 616688.

Allele frequency attached by ClinVar (database versions not stated): gnomAD exomes below 0.00001.
gnomAD v4.1: 6 of 1,614,132 alleles (0.00037%); highest among the groups gnomAD compares: Middle Eastern, 0.016%; no homozygotes.

Submission:

Labcorp Genetics (formerly Invitae), Labcorp
Classification: Uncertain significance for Charcot-Marie-Tooth disease axonal type 2Z. Last evaluated: 2025-12-24. Review status: criteria provided, single submitter. Criteria: Invitae Variant Classification Sherloc (09022015). Collection method: clinical testing. Allele origin: germline.
Comment: This sequence change replaces arginine, which is basic and polar, with glutamine, which is neutral and polar, at codon 972 of the MORC2 protein (p.Arg972Gln). This variant is present in population databases (no rsID available, gnomAD 0.003%). This variant has not been reported in the literature in individuals affected with MORC2-related conditions. ClinVar contains an entry for this variant (Variation ID: 1434144). Invitae Evidence Modeling of protein sequence and biophysical properties (such as structural, functional, and spatial information, amino acid conservation, physicochemical variation, residue mobility, and thermodynamic stability) indicates that this missense variant is not expected to disrupt MORC2 protein function with a negative predictive value of 80%. In summary, the available evidence is currently insufficient to determine the role of this variant in disease. Therefore, it has been classified as a Variant of Uncertain Significance.